The following is an entry in ClinVar:

NM_000053.4(ATP7B):c.2160A>G (p.Lys720=)

Gene: ATP7B (ATPase copper transporting beta; minus strand). Cytogenetic location: 13q14.3.
Variant type: single nucleotide variant.
Coding change: c.2160A>G on transcript NM_000053.4 (MANE Select); coding-DNA position 2160, A replaced by G.
Protein change: p.Lys720=; no amino-acid change (lysine 720 retained).
Molecular consequence: synonymous variant. On other transcripts: intron variant (2).
Genome position (GRCh38, 1-based): chr13:51,958,506, T>C on the plus strand (A>G on the coding strand, the complement: ATP7B is on the minus strand). VCF-style: chr13-51958506-T-C. GRCh37 (hg19) VCF-style: chr13-52532642-T-C.
Other names: c.1827A>G, p.Lys609= (NM_001243182.2); c.1908A>G, p.Lys636= (NM_001330579.2); c.1870-899A>G (NM_001005918.3); c.2122-899A>G (NM_001330578.2).
Identifiers: ClinVar variation 1564644 (VCV001564644.9), dbSNP rs753016869, ClinGen allele CA6989095.

ClinVar aggregate classification (germline): Likely benign. Review status: criteria provided, multiple submitters, no conflicts (2 of 4 stars). 2 submissions from 2 submitters: Likely benign (2). Last evaluated 2025-12-08.

Conditions:
Wilson disease (WND). Also called: Wilson's disease. Identifiers: Orphanet 905, MedGen C0019202, MONDO:0010200, OMIM 277900. Disease mechanism: loss of function.

Allele frequency attached by ClinVar (database versions not stated): gnomAD 0.00001; gnomAD exomes 0.00001; ExAC 0.00002; TOPMed 0.00002.
gnomAD v4.1: 15 of 1,613,830 alleles (0.00093%); highest among the groups gnomAD compares: Non-Finnish European, 0.0013%; no homozygotes.

Submissions (2):

Labcorp Genetics (formerly Invitae), Labcorp
Classification: Likely benign for Wilson disease. Last evaluated: 2025-12-08. Review status: criteria provided, single submitter. Criteria: Invitae Variant Classification Sherloc (09022015). Collection method: clinical testing. Allele origin: germline.

All of Us Research Program, National Institutes of Health
Classification: Likely benign for Wilson disease. Last evaluated: 2023-08-08. Review status: criteria provided, single submitter. Criteria: ACMG Guidelines, 2015. Collection method: clinical testing. Allele origin: germline. Inheritance: Autosomal recessive inheritance. Observed: 2 variant alleles, 2 heterozygotes.
Comment: This study involves interpretation of variants in research participants for the purpose of population health screening. Participant phenotype was not available at the time of variant classification. Additional details can be found in publication PMID: 35346344, PMCID: PMC8962531